The following is an entry in ClinVar:

ClinVar aggregate classification (germline): Uncertain significance (1 of 4 stars; one submission).

Submission:

GeneDx
Classification: Uncertain significance. Last evaluated: 2024-02-15. Review status: criteria provided, single submitter. Criteria: GeneDx Variant Classification Process June 2021. Collection method: clinical testing. Allele origin: germline. Affected: yes.
Comment: Not observed at significant frequency in large population cohorts (gnomAD); In silico analysis supports that this missense variant has a deleterious effect on protein structure/function; Has not been previously published as pathogenic or benign to our knowledge

NM_000276.4(OCRL):c.656G>T (p.Arg219Leu)

Gene: OCRL (OCRL inositol polyphosphate-5-phosphatase; plus strand). Cytogenetic location: Xq26.1.
Variant type: single nucleotide variant.
Coding change: c.656G>T on transcript NM_000276.4 (MANE Select); coding-DNA position 656, G replaced by T.
Protein change: p.Arg219Leu; replaces arginine 219 with leucine.
Molecular consequence: missense variant.
Genome position (GRCh38, 1-based): chrX:129,558,935, G>T. VCF-style: chrX-129558935-G-T. GRCh37 (hg19) VCF-style: chrX-128692912-G-T.
Other names: c.659G>T, p.Arg220Leu (NM_001318784.2); c.656G>T, p.Arg219Leu (NM_001587.4); short protein forms R219L, R220L.
Identifiers: ClinVar variation 3369021 (VCV003369021.1).